The following is an entry in ClinVar:

ClinVar aggregate classification (germline): Uncertain significance (1 of 4 stars; one submission).

Conditions:
Multiple acyl-CoA dehydrogenase deficiency (MADD). Also called: Glutaric Acidemia type 2; ETHYLMALONIC-ADIPICACIDURIA; GA II; Glutaric aciduria, type 2; Glutaric acidemia type II; GA 2. Identifiers: Orphanet 26791, MedGen C0268596, MONDO:0009282, OMIM 231680.

Submission:

Labcorp Genetics (formerly Invitae), Labcorp
Classification: Uncertain significance for Multiple acyl-CoA dehydrogenase deficiency. Last evaluated: 2022-07-19. Review status: criteria provided, single submitter. Criteria: Invitae Variant Classification Sherloc (09022015). Collection method: clinical testing. Allele origin: germline.
Comment: In summary, the available evidence is currently insufficient to determine the role of this variant in disease. Therefore, it has been classified as a Variant of Uncertain Significance. Variants that disrupt the consensus splice site are a relatively common cause of aberrant splicing (PMID: 17576681, 9536098). Algorithms developed to predict the effect of sequence changes on RNA splicing suggest that this variant is not likely to affect RNA splicing. This variant has not been reported in the literature in individuals affected with ETFB-related conditions. This variant is not present in population databases (gnomAD no frequency). This sequence change falls in intron 5 of the ETFB gene. It does not directly change the encoded amino acid sequence of the ETFB protein. It affects a nucleotide within the consensus splice site.

Literature cited by the submitters: PubMed 17576681; PubMed 9536098.

NM_001985.3(ETFB):c.598-3C>T

Gene: ETFB (electron transfer flavoprotein subunit beta; minus strand). Cytogenetic location: 19q13.41.
Variant type: single nucleotide variant.
Coding change: c.598-3C>T on transcript NM_001985.3 (MANE Select); 3 bases into the intron before coding-DNA position 598, C replaced by T.
Molecular consequence: intron variant.
Genome position (GRCh38, 1-based): chr19:51,345,384, G>A on the plus strand (C>T on the coding strand, the complement: ETFB is on the minus strand). VCF-style: chr19-51345384-G-A. GRCh37 (hg19) VCF-style: chr19-51848638-G-A.
Other names: c.871-3C>T (NM_001014763.1).
Identifiers: ClinVar variation 2009843 (VCV002009843.2), dbSNP rs2514141222, ClinGen allele CA2580097653.